The following is an entry in ClinVar:

ClinVar aggregate classification (germline): Uncertain significance (1 of 4 stars; one submission).

Conditions:
Chédiak-Higashi syndrome (CHS). Also called: Chediak-Higashi Syndrome. Identifiers: Orphanet 167, MedGen C0007965, MONDO:0008963, OMIM 214500.

gnomAD v4.1: 3 of 1,613,656 alleles (0.00019%); highest among the groups gnomAD compares: Non-Finnish European, 0.00025%; no homozygotes.

Submission:

Labcorp Genetics (formerly Invitae), Labcorp
Classification: Uncertain significance for Chédiak-Higashi syndrome. Last evaluated: 2022-05-26. Review status: criteria provided, single submitter. Criteria: Invitae Variant Classification Sherloc (09022015). Collection method: clinical testing. Allele origin: germline.
Comment: This sequence change replaces leucine, which is neutral and non-polar, with phenylalanine, which is neutral and non-polar, at codon 769 of the LYST protein (p.Leu769Phe). This variant is not present in population databases (gnomAD no frequency). This variant has not been reported in the literature in individuals affected with LYST-related conditions. Algorithms developed to predict the effect of missense changes on protein structure and function are either unavailable or do not agree on the potential impact of this missense change (SIFT: "Deleterious"; PolyPhen-2: "Probably Damaging"; Align-GVGD: "Class C0"). In summary, the available evidence is currently insufficient to determine the role of this variant in disease. Therefore, it has been classified as a Variant of Uncertain Significance.

NM_000081.4(LYST):c.2307G>T (p.Leu769Phe)

Gene: LYST (lysosomal trafficking regulator; minus strand). Cytogenetic location: 1q42.3.
Variant type: single nucleotide variant.
Coding change: c.2307G>T on transcript NM_000081.4 (MANE Select); coding-DNA position 2307, G replaced by T.
Protein change: p.Leu769Phe; replaces leucine 769 with phenylalanine.
Molecular consequence: missense variant.
Genome position (GRCh38, 1-based): chr1:235,808,511, C>A on the plus strand (G>T on the coding strand, the complement: LYST is on the minus strand). VCF-style: chr1-235808511-C-A. GRCh37 (hg19) VCF-style: chr1-235971811-C-A.
Other names: c.2307G>T, p.Leu769Phe (NM_001301365.1); short protein forms L769F.
Identifiers: ClinVar variation 2190224 (VCV002190224.1), dbSNP rs982624581, ClinGen allele CA344958610.